The following is an entry in ClinVar:

ClinVar aggregate classification (germline): Uncertain significance (1 of 4 stars; one submission).

Conditions:
Developmental and epileptic encephalopathy, 25 (DEE25). Also called: Epileptic encephalopathy, early infantile, 25; Developmental and epileptic encephalopathy 25, with amelogenesis imperfecta; Epileptic encephalopathy, early infantile, 25, with amelogenesis imperfecta. Identifiers: Orphanet 442835, MedGen C4014621, MONDO:0014392, OMIM 615905.

Submission:

Labcorp Genetics (formerly Invitae), Labcorp
Classification: Uncertain significance for Developmental and epileptic encephalopathy, 25. Last evaluated: 2022-05-29. Review status: criteria provided, single submitter. Criteria: Invitae Variant Classification Sherloc (09022015). Collection method: clinical testing. Allele origin: germline.
Comment: In summary, the available evidence is currently insufficient to determine the role of this variant in disease. Therefore, it has been classified as a Variant of Uncertain Significance. Algorithms developed to predict the effect of missense changes on protein structure and function are either unavailable or do not agree on the potential impact of this missense change (SIFT: "Tolerated"; PolyPhen-2: "Possibly Damaging"; Align-GVGD: "Class C0"). This variant has not been reported in the literature in individuals affected with SLC13A5-related conditions. This variant is not present in population databases (gnomAD no frequency). This sequence change replaces leucine, which is neutral and non-polar, with proline, which is neutral and non-polar, at codon 30 of the SLC13A5 protein (p.Leu30Pro).

NM_177550.5(SLC13A5):c.89T>C (p.Leu30Pro)

Gene: SLC13A5 (solute carrier family 13 member 5; minus strand). Cytogenetic location: 17p13.1.
Variant type: single nucleotide variant.
Coding change: c.89T>C on transcript NM_177550.5 (MANE Select); coding-DNA position 89, T replaced by C.
Protein change: p.Leu30Pro; replaces leucine 30 with proline.
Molecular consequence: missense variant.
Genome position (GRCh38, 1-based): chr17:6,713,245, A>G on the plus strand (T>C on the coding strand, the complement: SLC13A5 is on the minus strand). VCF-style: chr17-6713245-A-G. GRCh37 (hg19) VCF-style: chr17-6616564-A-G.
Other names: c.89T>C, p.Leu30Pro (NM_001143838.3, NM_001284509.2, NM_001284510.2); short protein forms L30P.
Identifiers: ClinVar variation 2000655 (VCV002000655.4), dbSNP rs1974087582, ClinGen allele CA397753620.
Genomic context (GRCh38, chr17:6,713,245, plus strand): 5'-GCACAGGACGCCGGGTGTCCGAAGGGCTGCCTGGAGATGCAACTGACCTTGGCGGGCATC[A>G]GAATGACGAGTGGCAGCAGCAGGAGCGGGGTGACGAACAAGATCACGAAGGACTTGAACT-3'
Protein context (NP_808218.1, residues 20-40): TPLLLLPLVI[Leu30Pro]MPAKFVRCAY